The following is an entry in ClinVar:

ClinVar aggregate classification (germline): Pathogenic (1 of 4 stars; one submission).

Conditions:
Hypoparathyroidism, deafness, renal disease syndrome (HDRS). Also called: HYPOPARATHYROIDISM, SENSORINEURAL DEAFNESS, AND RENAL DYSPLASIA SYNDROME. Identifiers: Orphanet 2237, MedGen C1840333, MONDO:0007797, OMIM 146255.

Submission:

Department of Human Genetics, University Hospital Bern, Inselspital
Classification: Pathogenic for Hypoparathyroidism, deafness, renal disease syndrome. Last evaluated: 2025-08-18. Review status: criteria provided, single submitter. Criteria: ACMG Guidelines, 2015. Collection method: clinical testing. Allele origin: unknown. Inheritance: Autosomal dominant inheritance. Affected: yes. Observed: 1 heterozygote.
Comment: The reported nonsense variant is classified as pathogenic according to ACMG criteria. It results in a premature stop codon in the penultimate exon of the gene and, as a consequence, very likely results in a truncated protein with complete or significant loss of function (but no nonsense-mediated mRNA decay). Several more distally (C-terminal) located truncating variants have already been described as pathogenic (e.g., p.(Arg367*) in ClinVar Variation ID: 16626). The variant is not listed in the gnomAD v4.1 population database and, to our knowledge, has not yet been described in association with a genetic disease.

Literature cited by the submitters: PubMed 11389161.

NM_001002295.2(GATA3):c.1035C>G (p.Tyr345Ter)

Gene: GATA3 (GATA binding protein 3; plus strand). Cytogenetic location: 10p14.
Variant type: single nucleotide variant.
Coding change: c.1035C>G on transcript NM_001002295.2 (MANE Select); coding-DNA position 1035, C replaced by G.
Protein change: p.Tyr345Ter; replaces tyrosine 345 with a stop codon.
Molecular consequence: nonsense. On other transcripts: missense variant (1).
Genome position (GRCh38, 1-based): chr10:8,069,583, C>G. VCF-style: chr10-8069583-C-G. GRCh37 (hg19) VCF-style: chr10-8111546-C-G.
Other names: c.1032C>G, p.Tyr344Ter (NM_001441124.1, NM_001441125.1, NM_001441126.1 and 5 more transcripts); c.1035C>G, p.Tyr345Ter (NM_001441129.1, NM_001441130.1, NM_001441131.1 and 9 more transcripts); c.889C>G, p.Leu297Val (NM_001441134.1); c.156C>G, p.Tyr52Ter (NM_001441135.1); short protein forms L297V, Y344*, Y345*, Y52*.
Identifiers: ClinVar variation 4077163 (VCV004077163.1).